The following is an entry in ClinVar:

ClinVar aggregate classification (germline): Uncertain significance (1 of 4 stars; one submission).

gnomAD v4.1: 5 of 1,597,200 alleles (0.00031%); highest among the groups gnomAD compares: Non-Finnish European, 0.00043%; no homozygotes.

Submission:

GeneDx
Classification: Uncertain significance. Last evaluated: 2025-09-18. Review status: criteria provided, single submitter. Criteria: GeneDx Variant Classification Process June 2021. Collection method: clinical testing. Allele origin: germline. Affected: yes.
Comment: Not observed at significant frequency in large population cohorts (gnomAD); In silico analysis suggests that this variant does not alter splicing; Has not been previously published as pathogenic or benign to our knowledge

NM_207037.2(TCF12):c.685+5G>A

Gene: TCF12 (transcription factor 12; plus strand). Cytogenetic location: 15q21.3.
Variant type: single nucleotide variant.
Coding change: c.685+5G>A on transcript NM_207037.2 (MANE Select); 5 bases into the intron after coding-DNA position 685, G replaced by A.
Molecular consequence: intron variant.
Genome position (GRCh38, 1-based): chr15:57,231,262, G>A. VCF-style: chr15-57231262-G-A. GRCh37 (hg19) VCF-style: chr15-57523460-G-A.
Other names: c.685+5G>A (NM_001322151.2, NM_001322159.3, NM_001322157.3 and 7 more transcripts); c.511+5G>A (NM_001322156.2, NM_001322158.2); c.28+5G>A (NM_001322154.2); c.721+5G>A (NM_001322164.2); c.175+5G>A (NM_001306219.3, NM_207040.2); c.117+5G>A (NM_001306220.3).
Identifiers: ClinVar variation 4813896 (VCV004813896.1).